The following is an entry in ClinVar:

ClinVar aggregate classification (germline): Uncertain significance. Review status: criteria provided, multiple submitters, no conflicts (2 of 4 stars). 2 submissions from 2 submitters: Uncertain significance (2). Last evaluated 2022-08-22.

Conditions:
Duchenne muscular dystrophy (DMD). Also called: MUSCULAR DYSTROPHY, PSEUDOHYPERTROPHIC PROGRESSIVE, DUCHENNE TYPE; Duchenne Muscular Dystrophy (DMD). Identifiers: Orphanet 98896, MedGen C0013264, MONDO:0010679, OMIM 310200.
Cardiovascular phenotype. Identifiers: MedGen CN230736.

Allele frequency attached by ClinVar (database versions not stated): ExAC 0.00001; gnomAD exomes 0.00001.
gnomAD v4.1: 3 of 1,210,744 alleles (0.00025%); highest among the groups gnomAD compares: Non-Finnish European, 0.00034%; no homozygotes.

Submissions (2):

Labcorp Genetics (formerly Invitae), Labcorp
Classification: Uncertain significance for Duchenne muscular dystrophy. Last evaluated: 2022-08-22. Review status: criteria provided, single submitter. Criteria: Invitae Variant Classification Sherloc (09022015). Collection method: clinical testing. Allele origin: germline.
Comment: This sequence change replaces glutamine, which is neutral and polar, with glutamic acid, which is acidic and polar, at codon 1624 of the DMD protein (p.Gln1624Glu). This variant is present in population databases (rs762250680, gnomAD 0.003%), including at least one homozygous and/or hemizygous individual. This variant has not been reported in the literature in individuals affected with DMD-related conditions. Algorithms developed to predict the effect of missense changes on protein structure and function (SIFT, PolyPhen-2, Align-GVGD) all suggest that this variant is likely to be tolerated. In summary, the available evidence is currently insufficient to determine the role of this variant in disease. Therefore, it has been classified as a Variant of Uncertain Significance.

Ambry Genetics
Classification: Uncertain significance for Cardiovascular phenotype. Last evaluated: 2021-09-09. Review status: criteria provided, single submitter. Criteria: Ambry Variant Classification Scheme 2023. Collection method: clinical testing. Allele origin: germline.
Comment: The p.Q1624E variant (also known as c.4870C>G), located in coding exon 35 of the DMD gene, results from a C to G substitution at nucleotide position 4870. The glutamine at codon 1624 is replaced by glutamic acid, an amino acid with highly similar properties. Based on data from gnomAD, the G allele has an overall frequency of 0.001% (2/183021) total alleles studied, with 1 hemizygote observed. The highest observed frequency was 0.002% (2/81678) of European (non-Finnish) alleles. This amino acid position is not well conserved in available vertebrate species. In addition, this alteration is predicted to be tolerated by in silico analysis. Since supporting evidence is limited at this time, the clinical significance of this alteration remains unclear.

NM_004006.3(DMD):c.4870C>G (p.Gln1624Glu)

Gene: DMD (dystrophin; minus strand). Cytogenetic location: Xp21.1.
Variant type: single nucleotide variant.
Coding change: c.4870C>G on transcript NM_004006.3 (MANE Select); coding-DNA position 4870, C replaced by G.
Protein change: p.Gln1624Glu; replaces glutamine 1624 with glutamic acid.
Molecular consequence: missense variant.
Genome position (GRCh38, 1-based): chrX:32,365,175, G>C on the plus strand (C>G on the coding strand, the complement: DMD is on the minus strand). VCF-style: chrX-32365175-G-C. GRCh37 (hg19) VCF-style: chrX-32383292-G-C.
Other names: c.4846C>G, p.Gln1616Glu (NM_000109.4); c.4858C>G, p.Gln1620Glu (NM_004009.3); c.4501C>G, p.Gln1501Glu (NM_004010.3); c.847C>G, p.Gln283Glu (NM_004011.4); c.838C>G, p.Gln280Glu (NM_004012.4); short protein forms Q1501E, Q1616E, Q1620E, Q1624E, Q280E, Q283E.
Identifiers: ClinVar variation 1743717 (VCV001743717.4), dbSNP rs762250680, ClinGen allele CA10378832.